The following is an entry in ClinVar:

NM_001099922.3(ALG13):c.2248-25GT[7]

Gene: ALG13 (ALG13 UDP-N-acetylglucosaminyltransferase subunit; plus strand). Cytogenetic location: Xq23.
Variant type: Microsatellite.
Coding change: c.2248-25GT[7] on transcript NM_001099922.3 (MANE Select); seven copies in a row of the 2-base unit GT starting at c.2248-25; the reference has six copies in a row; one copy, 2 bases duplicated.
Molecular consequence: intron variant.
Genome position (GRCh38, 1-based): chrX:111,728,170-111,728,171, GT duplicated; duplicating any 2 consecutive bases within chrX:111,728,160-111,728,171 gives the same sequence; the position shown is the placement nearest the transcript's 3' end. VCF-style (leftmost placement, unchanged base first): chrX-111728159-A-AGT. GRCh37 (hg19) VCF-style: chrX-110971387-A-AGT.
Other names: c.2248-15_2248-14dupGT (NM_001099922.2); c.1936-25GT[7] (NM_001257237.2, NM_001257234.2, NM_001257230.2); c.1762-25GT[7] (NM_001324293.1); c.2014-25GT[7] (NM_001257231.2); c.2248-25GT[7] (NM_001324292.2).
Identifiers: ClinVar variation 506634 (VCV000506634.1), dbSNP rs757486083, ClinGen allele CA10493843.

ClinVar aggregate classification (germline): Likely benign (1 of 4 stars; one submission).

Submission:

GeneDx
Classification: Likely benign. Last evaluated: 2017-02-17. Review status: criteria provided, single submitter. Criteria: GeneDx Variant Classification (06012015). Collection method: clinical testing. Allele origin: germline. Affected: yes.
Comment: This variant is considered likely benign or benign based on one or more of the following criteria: it is a conservative change, it occurs at a poorly conserved position in the protein, it is predicted to be benign by multiple in silico algorithms, and/or has population frequency not consistent with disease.